The following is an entry in ClinVar:

ClinVar aggregate classification (germline): Pathogenic. Review status: criteria provided, multiple submitters, no conflicts (2 of 4 stars). 3 submissions from 3 submitters: Pathogenic (3). Last evaluated 2025-12-08.

Conditions:
Osteogenesis imperfecta type I (OI1). Also called: Lobstein's Disease; OI, TYPE I; OSTEOGENESIS IMPERFECTA TARDA; OSTEOGENESIS IMPERFECTA WITH BLUE SCLERAE; Osteogenesis imperfecta type 1; Lobstein disease. Identifiers: Orphanet 216796, Orphanet 666, MedGen C0023931, MONDO:0008146, OMIM 166200. Disease mechanism: loss of function.

Submissions (3):

GeneDx
Classification: Pathogenic. Last evaluated: 2025-12-08. Review status: criteria provided, single submitter. Criteria: GeneDx Variant Classification Process June 2021. Collection method: clinical testing. Allele origin: germline. Affected: yes.
Comment: Damages or destroys the splice acceptor site in intron 25, and is expected to cause abnormal gene splicing; if the splice outcome is exon skip, the loss of the encoded residues in the triple helical region is expected to disrupt normal protein folding and function, and this is an established mechanism of disease (HGMD); Not observed at significant frequency in large population cohorts (gnomAD); This variant is associated with the following publications: (PMID: 17078022, 25525159, 21667357, 9443882, 35909573, 35463886)

Clinical Biomedical Laboratory, Shriners Hospital For Children - Canada
Classification: Pathogenic for Osteogenesis imperfecta type I. Last evaluated: 2025-05-23. Review status: criteria provided, single submitter. Criteria: ACMG Guidelines, 2015. Collection method: clinical testing. Allele origin: germline. Affected: yes.
Comment: This variant affects a consensus splice site in COL1A1. Variants affecting essential splice sites in COL1A1 are a typical cause of osteogenesis imperfecta. This variant is absent from the Genome Aggregation Database (v2.1.1). This variant has been previously reported in association with osteogenesis imperfecta type 1 (PMID 9443882).

Labcorp Genetics (formerly Invitae), Labcorp
Classification: Pathogenic for Osteogenesis imperfecta type I. Last evaluated: 2023-07-12. Review status: criteria provided, single submitter. Criteria: Invitae Variant Classification Sherloc (09022015). Collection method: clinical testing. Allele origin: germline.
Comment: This sequence change affects an acceptor splice site in intron 25 of the COL1A1 gene. It is expected to disrupt RNA splicing. Variants that disrupt the donor or acceptor splice site typically lead to a loss of protein function (PMID: 16199547), and loss-of-function variants in COL1A1 are known to be pathogenic (PMID: 7942841, 9295084, 9443882). This variant is not present in population databases (gnomAD no frequency). Disruption of this splice site has been observed in individuals with clinical features of osteogenesis imperfecta (PMID: 9443882; Invitae). ClinVar contains an entry for this variant (Variation ID: 838106). Algorithms developed to predict the effect of sequence changes on RNA splicing suggest that this variant may disrupt the consensus splice site. For these reasons, this variant has been classified as Pathogenic.

Literature cited by the submitters: PubMed 9443882 (cited by Clinical Biomedical Laboratory, Shriners Hospital For Children - Canada and Labcorp Genetics (formerly Invitae), Labcorp); PubMed 16199547 (cited by Labcorp Genetics (formerly Invitae), Labcorp); PubMed 7942841 (cited by Labcorp Genetics (formerly Invitae), Labcorp); PubMed 9295084 (cited by Labcorp Genetics (formerly Invitae), Labcorp).

NM_000088.4(COL1A1):c.1768-1G>A

Gene: COL1A1 (collagen type I alpha 1 chain; minus strand). Cytogenetic location: 17q21.33.
Variant type: single nucleotide variant.
Coding change: c.1768-1G>A on transcript NM_000088.4 (MANE Select); the canonical splice acceptor site of the intron before coding-DNA position 1768, G replaced by A.
Molecular consequence: splice acceptor variant.
Genome position (GRCh38, 1-based): chr17:50,193,048, C>T on the plus strand (G>A on the coding strand, the complement: COL1A1 is on the minus strand). VCF-style: chr17-50193048-C-T. GRCh37 (hg19) VCF-style: chr17-48270409-C-T.
Identifiers: ClinVar variation 838106 (VCV000838106.13), dbSNP rs72648370, ClinGen allele CA291544582.
Genomic context (GRCh38, chr17:50,193,048, plus strand): 5'-ACTTACGACAGCGCCAGGGGGTCCGGGAACACCTCGCTCTCCAGCCTTGCCGGGCTCTCC[C>T]TGTGGAGAAAGGGAGTTAGGGTTGAGGGGGCTGAAGTGAGAAGCCAGGGCCTCCTGGGGC-3'